The following is an entry in ClinVar:

ClinVar aggregate classification (germline): Uncertain significance (1 of 4 stars; one submission).

Conditions:
Inborn genetic diseases. Identifiers: MedGen C0950123, MeSH D030342.

Submission:

Ambry Genetics
Classification: Uncertain significance for Inborn genetic diseases. Last evaluated: 2025-11-20. Review status: criteria provided, single submitter. Criteria: Ambry Variant Classification Scheme 2023. Collection method: clinical testing. Allele origin: germline.
Comment: The p.E347G variant (also known as c.1040A>G), located in coding exon 1 of the CEBPA gene, results from an A to G substitution at nucleotide position 1040. The glutamic acid at codon 347 is replaced by glycine, an amino acid with similar properties. This amino acid position is conserved. In addition, this alteration is predicted to be tolerated by in silico analysis. Based on the available evidence, the clinical significance of this variant remains unclear.

NM_004364.5(CEBPA):c.1040A>G (p.Glu347Gly)

Gene: CEBPA (CCAAT enhancer binding protein alpha; minus strand). Cytogenetic location: 19q13.11.
Variant type: single nucleotide variant.
Coding change: c.1040A>G on transcript NM_004364.5 (MANE Select); coding-DNA position 1040, A replaced by G.
Protein change: p.Glu347Gly; replaces glutamic acid 347 with glycine.
Molecular consequence: missense variant.
Genome position (GRCh38, 1-based): chr19:33,301,375, T>C on the plus strand (A>G on the coding strand, the complement: CEBPA is on the minus strand). VCF-style: chr19-33301375-T-C. GRCh37 (hg19) VCF-style: chr19-33792281-T-C.
Other names: c.683A>G, p.Glu228Gly (NM_001285829.2); c.1145A>G, p.Glu382Gly (NM_001287424.2); c.998A>G, p.Glu333Gly (NM_001287435.2); short protein forms E382G, E228G, E333G, E347G.
Identifiers: ClinVar variation 4611435 (VCV004611435.1).